The following is an entry in ClinVar:

NM_173630.4(RTTN):c.4374+7G>A

Gene: RTTN (rotatin; minus strand). Cytogenetic location: 18q22.2.
Variant type: single nucleotide variant.
Coding change: c.4374+7G>A on transcript NM_173630.4 (MANE Select); 7 bases into the intron after coding-DNA position 4374, G replaced by A.
Molecular consequence: intron variant.
Genome position (GRCh38, 1-based): chr18:70,086,606, C>T on the plus strand (G>A on the coding strand, the complement: RTTN is on the minus strand). VCF-style: chr18-70086606-C-T. GRCh37 (hg19) VCF-style: chr18-67753842-C-T.
Other names: c.1638+7G>A (NM_001318520.2).
Identifiers: ClinVar variation 4690277 (VCV004690277.1).

ClinVar aggregate classification (germline): Likely benign (1 of 4 stars; one submission).

Conditions:
Microcephalic primordial dwarfism due to RTTN deficiency (MSSP). Also called: Microcephaly, short stature, and polymicrogyria with or without seizures; MICROCEPHALY, SHORT STATURE, AND POLYMICROGYRIA. Identifiers: Orphanet 468631, MedGen C3553831, MONDO:0018764, OMIM 614833.

gnomAD v4.1: 2 of 1,542,982 alleles (0.00013%); highest among the groups gnomAD compares: African/African-American, 0.0015%; no homozygotes.

Submission:

Centre for Medical Genetics,  Mumbai
Classification: Likely benign for Microcephalic primordial dwarfism due to RTTN deficiency. Last evaluated: 2026-02-04. Review status: criteria provided, single submitter. Criteria: ACMG Guidelines, 2015. Collection method: provider interpretation. Allele origin: germline. Inheritance: Autosomal recessive inheritance. Affected: no. Observed: 1 homozygote.
Comment: The variant satisfies PM2 criteria; Extremely low frequency in gnomAD population databases. The variant satisfies BP4 criteria; For a missense or a splice region variant, computational prediction tools unanimously support a benign effect on the gene. However, the variant satisfies BS2 criteria.

Literature cited by the submitters: PubMed 22939636.